The following is an entry in ClinVar:

ClinVar aggregate classification (germline): Pathogenic. Review status: criteria provided, multiple submitters, no conflicts (2 of 4 stars). 4 submissions from 4 submitters: Pathogenic (3). 1 of the submissions does not count toward it. Last evaluated 2025-08-05.
ClinVar aggregate classification (oncogenicity): Likely oncogenic (1 of 4 stars; one submission).

Conditions:
Inborn genetic diseases. Identifiers: MedGen C0950123, MeSH D030342.
Kabuki syndrome. Also called: NIIKAWA-KUROKI SYNDROME; Kabuki make-up syndrome. Identifiers: Orphanet 2322, MedGen C0796004, MONDO:0016512.
Kabuki syndrome 1 (KABUK1). Also called: KMT2D-Related Kabuki Syndrome. Identifiers: Orphanet 2322, MedGen CN030661, MONDO:0007843, OMIM 147920.
Neoplasm. Also called: tumor; Neoplasms; Neoplasm (disease). Identifiers: MedGen C0027651, MeSH D009369, MONDO:0005070, HP:0002664.

Allele frequency attached by ClinVar (database versions not stated): gnomAD exomes below 0.00001.
gnomAD v4.1: 1 of 1,613,048 alleles (0.000062%); highest among the groups gnomAD compares: Non-Finnish European, 0.000085%; no homozygotes.

Submissions (6):

Labcorp Genetics (formerly Invitae), Labcorp
Classification: Pathogenic for Kabuki syndrome. Last evaluated: 2025-08-05. Review status: criteria provided, single submitter. Criteria: Invitae Variant Classification Sherloc (09022015). Collection method: clinical testing. Allele origin: germline.
Comment: This sequence change creates a premature translational stop signal (p.Arg4484*) in the KMT2D gene. It is expected to result in an absent or disrupted protein product. Loss-of-function variants in KMT2D are known to be pathogenic (PMID: 22126750). The frequency data for this variant in the population databases is considered unreliable, as metrics indicate poor data quality at this position in the gnomAD database. This premature translational stop signal has been observed in individual(s) with Kabuki syndrome (PMID: 21280141, 27302555, 29283410). ClinVar contains an entry for this variant (Variation ID: 158729). For these reasons, this variant has been classified as Pathogenic.

Center for Genomic Medicine, Rigshospitalet, Copenhagen University Hospital
Classification: Likely oncogenic for Neoplasm. Last evaluated: 2025-03-04. Review status: criteria provided, single submitter. Criteria: ClinGen/CGC/VICC Guidelines for Oncogenicity, 2022. Collection method: clinical testing. Allele origin: somatic. Affected: yes.

Ambry Genetics
Classification: Pathogenic for Inborn genetic diseases. Last evaluated: 2017-07-26. Review status: criteria provided, single submitter. Criteria: Ambry exome assertion method (8-5-2015). Collection method: clinical testing. Allele origin: germline. Affected: yes. Observed: 1 variant allele.

Genetic Services Laboratory, University of Chicago
Classification: Pathogenic for Kabuki syndrome 1. Last evaluated: 2013-02-08. Review status: criteria provided, single submitter. Criteria: ACMG Guidelines, 2007. Collection method: clinical testing. Allele origin: germline. Inheritance: Autosomal dominant inheritance. Affected: yes.

Autoinflammatory diseases unit, CHU de Montpellier
Classification: Pathogenic for Kabuki syndrome 1. Last evaluated: 2015-04-30. Review status: no assertion criteria provided. Collection method: clinical testing. Allele origin: de novo. Affected: yes. Not counted in ClinVar's aggregate classification.

Dr. Peter K. Rogan Lab, Western University
No classification provided (evidence only). Condition: Cervical cancer. Review status: no classification provided. Collection method: in vitro. Allele origin: not applicable. Functional consequence: retained intron. Not counted in ClinVar's aggregate classification.

Literature cited by the submitters: PubMed 22126750 (cited by Labcorp Genetics (formerly Invitae), Labcorp); PubMed 21280141 (cited by Labcorp Genetics (formerly Invitae), Labcorp and Ambry Genetics); PubMed 27302555 (cited by Labcorp Genetics (formerly Invitae), Labcorp and Ambry Genetics); PubMed 29283410 (cited by Labcorp Genetics (formerly Invitae), Labcorp); PubMed 26366712 (cited by Center for Genomic Medicine, Rigshospitalet, Copenhagen University Hospital); PubMed 25281733 (cited by Ambry Genetics); PubMed 23320472 (cited by Ambry Genetics).

NM_003482.4(KMT2D):c.13450C>T (p.Arg4484Ter)

Gene: KMT2D (lysine methyltransferase 2D; minus strand). Cytogenetic location: 12q13.12.
Variant type: single nucleotide variant.
Coding change: c.13450C>T on transcript NM_003482.4 (MANE Select); coding-DNA position 13450, C replaced by T.
Protein change: p.Arg4484Ter; replaces arginine 4484 with a stop codon.
Molecular consequence: nonsense.
Genome position (GRCh38, 1-based): chr12:49,031,255, G>A on the plus strand (C>T on the coding strand, the complement: KMT2D is on the minus strand). VCF-style: chr12-49031255-G-A. GRCh37 (hg19) VCF-style: chr12-49425038-G-A.
Other names: short protein forms R4484*.
Identifiers: ClinVar variation 158729 (VCV000158729.15), dbSNP rs587783690, ClinGen allele CA271590.
Genomic context (GRCh38, chr12:49,031,255, plus strand): 5'-CCTGTAGTTTCTGCTCCAGCCCAGCCAGCTTGCTGTCAATGTGCCCGTTGATCTCAGCTC[G>A]CAGCCCCTCGGACCCCCGCCCAGTGCTGAGTTGCACATTCTTTGCCCGGAGTAGCTTCTG-3'